The following is an entry in ClinVar:

NM_206933.4(USH2A):c.926C>T (p.Pro309Leu)

Gene: USH2A (usherin; minus strand). Cytogenetic location: 1q41.
Variant type: single nucleotide variant.
Coding change: c.926C>T on transcript NM_206933.4 (MANE Select); coding-DNA position 926, C replaced by T.
Protein change: p.Pro309Leu; replaces proline 309 with leucine.
Molecular consequence: missense variant.
Genome position (GRCh38, 1-based): chr1:216,325,522, G>A on the plus strand (C>T on the coding strand, the complement: USH2A is on the minus strand). VCF-style: chr1-216325522-G-A. GRCh37 (hg19) VCF-style: chr1-216498864-G-A.
Other names: c.926C>T, p.Pro309Leu (NM_007123.6); short protein forms P309L.
Identifiers: ClinVar variation 438032 (VCV000438032.11), dbSNP rs1359713084, ClinGen allele CA344912616.

ClinVar aggregate classification (germline): Conflicting classifications of pathogenicity. Review status: criteria provided, conflicting classifications (1 of 4 stars). 5 submissions from 5 submitters: Pathogenic (1); Likely pathogenic (2); Uncertain significance (1). 1 of the submissions does not count toward it. Last evaluated 2025-06-02.

Conditions:
Retinitis pigmentosa (RP). Identifiers: Orphanet 791, MedGen C0035334, MeSH D012174, MONDO:0019200, OMIM 268000. Inheritance: Autosomal dominant, autosomal recessive and X linked inheritance.
Retinitis pigmentosa 39 (RP39). Identifiers: Orphanet 791, MedGen C3151138, MONDO:0013436, OMIM 613809.
Usher syndrome type 2A. Also called: RETINAL DISEASE IN USHER SYNDROME TYPE IIA, MODIFIER OF; USHER SYNDROME, TYPE IIA. Identifiers: Orphanet 231178, Orphanet 886, MedGen C1848634, MONDO:0010169, OMIM 276901.
USH2A-related disorder. Also called: USH2A-related condition; USH2A-related disorders. Identifiers: MedGen CN239332.

Allele frequency attached by ClinVar (database versions not stated): TOPMed below 0.00001; gnomAD exomes 0.00001.

Submissions (5):

Natera, Inc.
Classification: Likely pathogenic for Usher syndrome type 2A. Last evaluated: 2025-06-02. Review status: criteria provided, single submitter. Criteria: Natera Variant Classification Schema (03/2026). Collection method: clinical testing. Allele origin: germline.
Comment: The c.926C>T variant in USH2A is a missense variant predicted to cause substitution of proline to leucine at amino acid 309. This variant is rare in the general population with a frequency below the threshold expected for the associated phenotype(s). This variant has been observed in one or more individuals affected with the associated recessive disease, as either homozygous or compound heterozygous with a second variant (PMID: 27460420, 35457016, 38219857). This variant has been identified in one or more affected individual with a phenotype highly consistent with the associated gene (PMID: 27460420, 35457016, 38219857). Computational prediction algorithms indicate this variant is likely to affect gene or protein function. Given the available evidence, this variant is classified as Likely Pathogenic.

Baylor Genetics
Classification: Likely pathogenic for Retinitis pigmentosa 39. Last evaluated: 2023-10-19. Review status: criteria provided, single submitter. Criteria: ACMG Guidelines, 2015. Collection method: clinical testing. Allele origin: unknown.

Labcorp Genetics (formerly Invitae), Labcorp
Classification: Uncertain significance. Last evaluated: 2022-08-23. Review status: criteria provided, single submitter. Criteria: Invitae Variant Classification Sherloc (09022015). Collection method: clinical testing. Allele origin: germline.
Comment: This sequence change replaces proline, which is neutral and non-polar, with leucine, which is neutral and non-polar, at codon 309 of the USH2A protein (p.Pro309Leu). The frequency data for this variant in the population databases is considered unreliable, as metrics indicate poor data quality at this position in the gnomAD database. This missense change has been observed in individuals with clinical features of Usher syndrome (PMID: 27460420, 28041643). ClinVar contains an entry for this variant (Variation ID: 438032). Algorithms developed to predict the effect of missense changes on protein structure and function are either unavailable or do not agree on the potential impact of this missense change (SIFT: "Deleterious"; PolyPhen-2: "Probably Damaging"; Align-GVGD: "Class C0"). In summary, the available evidence is currently insufficient to determine the role of this variant in disease. Therefore, it has been classified as a Variant of Uncertain Significance.

Blueprint Genetics
Classification: Pathogenic for USH2A-related disorders. Last evaluated: 2021-12-30. Review status: criteria provided, single submitter. Criteria: ACMG Guidelines, 2015. Collection method: clinical testing. Allele origin: germline. Affected: yes. Observed: 4 variant alleles.

NIHR Bioresource Rare Diseases, University of Cambridge
Classification: Likely pathogenic for Retinitis pigmentosa. Last evaluated: 2015-01-01. Review status: no assertion criteria provided. Collection method: research. Allele origin: unknown. Affected: yes. Observed: 1 variant allele. Not counted in ClinVar's aggregate classification.

Literature cited by the submitters: PubMed 27460420 (cited by Natera, Inc. and Labcorp Genetics (formerly Invitae), Labcorp); PubMed 35457016 (cited by Natera, Inc.); PubMed 38219857 (cited by Natera, Inc.); PubMed 28041643 (cited by Labcorp Genetics (formerly Invitae), Labcorp and NIHR Bioresource Rare Diseases, University of Cambridge).